The following is an entry in ClinVar:

NM_001673.5(ASNS):c.1138-1G>A

Genes: ASNS (asparagine synthetase (glutamine-hydrolyzing); minus strand), CZ1P-ASNS (CZ1P-ASNS readthrough; minus strand). Cytogenetic location: 7q21.3.
Variant type: single nucleotide variant.
Coding change: c.1138-1G>A on transcript NM_001673.5 (MANE Select); the canonical splice acceptor site of the intron before coding-DNA position 1138, G replaced by A.
Molecular consequence: splice acceptor variant. On other transcripts: non-coding transcript variant (1).
Genome position (GRCh38, 1-based): chr7:97,854,681, C>T on the plus strand (G>A on the coding strand, the complement: ASNS is on the minus strand). VCF-style: chr7-97854681-C-T. GRCh37 (hg19) VCF-style: chr7-97483993-C-T.
Other names: c.1138-1G>A (NM_001352496.2, NM_183356.4, NM_133436.3); c.889-1G>A (NM_001178076.2, NM_001178077.1); c.1075-1G>A (NM_001178075.2).
Identifiers: ClinVar variation 1475400 (VCV001475400.7), dbSNP rs2115608786, ClinGen allele CA368265530.

ClinVar aggregate classification (germline): Likely pathogenic. Review status: criteria provided, multiple submitters, no conflicts (2 of 4 stars). 2 submissions from 2 submitters: Likely pathogenic (2). Last evaluated 2025-06-22.

Conditions:
Congenital microcephaly - severe encephalopathy - progressive cerebral atrophy syndrome. Also called: ASNS DEFICIENCY; Asparagine synthetase deficiency. Identifiers: Orphanet 391376, MedGen C3809971, MONDO:0014258, OMIM 615574.

Submissions (2):

Natera, Inc.
Classification: Likely pathogenic for Asparagine synthetase deficiency. Last evaluated: 2025-06-22. Review status: criteria provided, single submitter. Criteria: Natera Variant Classification Schema (03/2026). Collection method: clinical testing. Allele origin: germline.
Comment: The c.1138-1G>A variant in ASNS is a canonical splice acceptor site variant predicted to affect pre-mRNA splicing, which may result in an abnormal transcript and altered protein product. This variant is expected to result in nonsense mediated decay, truncation, or a dysfunctional protein product. This variant is rare in the general population with a frequency below the threshold expected for the associated phenotype(s). Given the available evidence, this variant is classified as Likely Pathogenic.

Labcorp Genetics (formerly Invitae), Labcorp
Classification: Likely pathogenic. Last evaluated: 2021-07-30. Review status: criteria provided, single submitter. Criteria: Invitae Variant Classification Sherloc (09022015). Collection method: clinical testing. Allele origin: germline.
Comment: This sequence change affects an acceptor splice site in intron 9 of the ASNS gene. It is expected to disrupt RNA splicing. Variants that disrupt the donor or acceptor splice site typically lead to a loss of protein function (PMID: 16199547), and loss-of-function variants in ASNS are known to be pathogenic (PMID: 27422383, 30057589). This variant is not present in population databases (ExAC no frequency). This variant has not been reported in the literature in individuals affected with ASNS-related conditions. Algorithms developed to predict the effect of sequence changes on RNA splicing suggest that this variant may disrupt the consensus splice site. In summary, the currently available evidence indicates that the variant is pathogenic, but additional data are needed to prove that conclusively. Therefore, this variant has been classified as Likely Pathogenic.

Literature cited by the submitters: PubMed 16199547 (cited by Labcorp Genetics (formerly Invitae), Labcorp); PubMed 27422383 (cited by Labcorp Genetics (formerly Invitae), Labcorp); PubMed 30057589 (cited by Labcorp Genetics (formerly Invitae), Labcorp).